The following is an entry in ClinVar:

ClinVar aggregate classification (germline): Likely benign. Review status: criteria provided, multiple submitters, no conflicts (2 of 4 stars). 4 submissions from 4 submitters: Likely benign (4). Last evaluated 2026-02-03.

Allele frequency attached by ClinVar (database versions not stated): ExAC 0.00005; gnomAD 0.00005 and 0.00006; gnomAD exomes 0.00007; TOPMed 0.00009.
gnomAD v4.1: 115 of 1,613,976 alleles (0.0071%); highest among the groups gnomAD compares: Middle Eastern, 0.066%; no homozygotes.

Submissions (4):

Labcorp Genetics (formerly Invitae), Labcorp
Classification: Likely benign. Last evaluated: 2026-02-03. Review status: criteria provided, single submitter. Criteria: Invitae Variant Classification Sherloc (09022015). Collection method: clinical testing. Allele origin: germline.

Blueprint Genetics
Classification: Likely benign. Last evaluated: 2024-10-07. Review status: criteria provided, single submitter. Criteria: ACMG Guidelines, 2015. Collection method: clinical testing. Allele origin: germline.

CeGaT Center for Human Genetics Tuebingen
Classification: Likely benign. Last evaluated: 2024-06-01. Review status: criteria provided, single submitter. Criteria: CeGaT Center For Human Genetics Tuebingen Variant Classification Criteria Version 2. Collection method: clinical testing. Allele origin: germline. Affected: yes. Observed: 1 variant allele.
Comment: SETBP1: BP4, BP7

GeneDx
Classification: Likely benign. Last evaluated: 2021-05-07. Review status: criteria provided, single submitter. Criteria: GeneDx Variant Classification Process June 2021. Collection method: clinical testing. Allele origin: germline. Affected: yes.

NM_015559.3(SETBP1):c.1119C>T (p.Ser373=)

Gene: SETBP1 (SET binding protein 1; plus strand). Cytogenetic location: 18q12.3.
Variant type: single nucleotide variant.
Coding change: c.1119C>T on transcript NM_015559.3 (MANE Select); coding-DNA position 1119, C replaced by T.
Protein change: p.Ser373=; no amino-acid change (serine 373 retained).
Molecular consequence: synonymous variant.
Genome position (GRCh38, 1-based): chr18:44,950,459, C>T. VCF-style: chr18-44950459-C-T. GRCh37 (hg19) VCF-style: chr18-42530424-C-T.
Identifiers: ClinVar variation 703262 (VCV000703262.31), dbSNP rs773249152, ClinGen allele CA8945558.